The following is an entry in ClinVar:

NM_021813.4(BACH2):c.-13+50T>C

Gene: BACH2 (BTB domain and CNC homolog 2; minus strand). Cytogenetic location: 6q15.
Variant type: single nucleotide variant.
Coding change: c.-13+50T>C on transcript NM_021813.4 (MANE Select); 50 bases into the intron after 13 bases upstream of the start codon, T replaced by C.
Molecular consequence: intron variant.
Genome position (GRCh38, 1-based): chr6:90,088,911, A>G on the plus strand (T>C on the coding strand, the complement: BACH2 is on the minus strand). VCF-style: chr6-90088911-A-G. GRCh37 (hg19) VCF-style: chr6-90798630-A-G.
Other names: c.-13+50T>C (NM_001170794.2).
Identifiers: ClinVar variation 2688106 (VCV002688106.2), dbSNP rs2273403, ClinGen allele CA12430364.

ClinVar aggregate classification (germline): Benign (1 of 4 stars; one submission).

Allele frequency attached by ClinVar (database versions not stated): gnomAD exomes 0.25362; TOPMed 0.32092; gnomAD 0.32875; 1000 Genomes Project 30x 0.39866; 1000 Genomes Project 0.40176.
gnomAD v4.1: 49,940 of 152,248 alleles (33%); highest among the groups gnomAD compares: East Asian, 66%; 8,781 homozygotes.

Submission:

Unidad de Genómica Garrahan, Hospital de Pediatría Garrahan
Classification: Benign. Last evaluated: 2024-01-24. Review status: criteria provided, single submitter. Criteria: ACMG Guidelines, 2015. Collection method: clinical testing. Allele origin: germline. Affected: no. Observed: 51 variant alleles.
Comment: This variant is classified as Benign based on local population frequency. This variant was detected in 54% of patients studied by a panel of primary immunodeficiencies. Number of patients: 51. Only high quality variants are reported.